The following is an entry in ClinVar:

ClinVar aggregate classification (germline): Uncertain significance. Review status: criteria provided, multiple submitters, no conflicts (2 of 4 stars). 2 submissions from 2 submitters: Uncertain significance (2). Last evaluated 2025-08-04.

Conditions:
Inborn genetic diseases. Identifiers: MedGen C0950123, MeSH D030342.

Allele frequency attached by ClinVar (database versions not stated): gnomAD exomes below 0.00001 and 0.00001; TOPMed below 0.00001; ExAC 0.00001; gnomAD 0.00001.

Submissions (2):

Labcorp Genetics (formerly Invitae), Labcorp
Classification: Uncertain significance. Last evaluated: 2025-08-04. Review status: criteria provided, single submitter. Criteria: Invitae Variant Classification Sherloc (09022015). Collection method: clinical testing. Allele origin: germline.
Comment: This sequence change replaces arginine, which is basic and polar, with glutamine, which is neutral and polar, at codon 440 of the CDT1 protein (p.Arg440Gln). This variant is present in population databases (rs758063867, gnomAD 0.005%). This variant has not been reported in the literature in individuals affected with CDT1-related conditions. ClinVar contains an entry for this variant (Variation ID: 1377210). An algorithm developed to predict the effect of missense changes on protein structure and function (PolyPhen-2) suggests that this variant is likely to be disruptive. In summary, the available evidence is currently insufficient to determine the role of this variant in disease. Therefore, it has been classified as a Variant of Uncertain Significance.

Ambry Genetics
Classification: Uncertain significance for Inborn genetic diseases. Last evaluated: 2025-04-01. Review status: criteria provided, single submitter. Criteria: Ambry Variant Classification Scheme 2023. Collection method: clinical testing. Allele origin: germline.

NM_030928.4(CDT1):c.1319G>A (p.Arg440Gln)

Gene: CDT1 (chromatin licensing and DNA replication factor 1; plus strand). Cytogenetic location: 16q24.3.
Variant type: single nucleotide variant.
Coding change: c.1319G>A on transcript NM_030928.4 (MANE Select); coding-DNA position 1319, G replaced by A.
Protein change: p.Arg440Gln; replaces arginine 440 with glutamine.
Molecular consequence: missense variant.
Genome position (GRCh38, 1-based): chr16:88,807,324, G>A. VCF-style: chr16-88807324-G-A. GRCh37 (hg19) VCF-style: chr16-88873732-G-A.
Other names: c.1319G>A (NM_030928.3); short protein forms R440Q.
Identifiers: ClinVar variation 1377210 (VCV001377210.9), dbSNP rs758063867, ClinGen allele CA8234118.